The following is an entry in ClinVar:

ClinVar aggregate classification (germline): Uncertain significance. Review status: criteria provided, multiple submitters, no conflicts (2 of 4 stars). 3 submissions from 3 submitters: Uncertain significance (3). Last evaluated 2024-11-14.

Conditions:
Diamond-Blackfan anemia 6 (DBA6). Also called: RPL5-Related Diamond-Blackfan Anemia. Identifiers: Orphanet 124, MedGen C2931850, MONDO:0012937, OMIM 612561.
Diamond-Blackfan anemia. Also called: Blackfan Diamond syndrome; Aregenerative anemia chronic congenital; Red cell aplasia, pure hereditary; Congenital hypoplastic anemia; Aase syndrome. Identifiers: Orphanet 124, MedGen C1260899, MeSH D029503, MONDO:0015253, HP:0004810.

Allele frequency attached by ClinVar (database versions not stated): TOPMed below 0.00001; gnomAD 0.00001; gnomAD exomes below 0.00001.
gnomAD v4.1: 2 of 1,612,080 alleles (0.00012%); highest among the groups gnomAD compares: Admixed American, 0.0033%; no homozygotes.

Submissions (3):

Revvity Omics, Revvity
Classification: Uncertain significance for Diamond-Blackfan anemia 6. Last evaluated: 2024-11-14. Review status: criteria provided, single submitter. Criteria: ACMG Guidelines, 2015. Collection method: clinical testing. Allele origin: germline.

Labcorp Genetics (formerly Invitae), Labcorp
Classification: Uncertain significance for Diamond-Blackfan anemia. Last evaluated: 2024-09-27. Review status: criteria provided, single submitter. Criteria: Invitae Variant Classification Sherloc (09022015). Collection method: clinical testing. Allele origin: germline.
Comment: This sequence change replaces alanine, which is neutral and non-polar, with glycine, which is neutral and non-polar, at codon 78 of the RPL5 protein (p.Ala78Gly). This variant is present in population databases (no rsID available, gnomAD 0.003%). This variant has not been reported in the literature in individuals affected with RPL5-related conditions. ClinVar contains an entry for this variant (Variation ID: 2183536). Invitae Evidence Modeling of protein sequence and biophysical properties (such as structural, functional, and spatial information, amino acid conservation, physicochemical variation, residue mobility, and thermodynamic stability) indicates that this missense variant is expected to disrupt RPL5 protein function with a positive predictive value of 80%. In summary, the available evidence is currently insufficient to determine the role of this variant in disease. Therefore, it has been classified as a Variant of Uncertain Significance.

Fulgent Genetics
Classification: Uncertain significance for Diamond-Blackfan anemia 6. Last evaluated: 2024-04-03. Review status: criteria provided, single submitter. Criteria: ACMG Guidelines, 2015. Collection method: clinical testing. Allele origin: germline.

NM_000969.5(RPL5):c.233C>G (p.Ala78Gly)

Genes: DIPK1A (divergent protein kinase domain 1A; minus strand), RPL5 (ribosomal protein L5; plus strand). Cytogenetic location: 1p22.1.
Variant type: single nucleotide variant.
Coding change: c.233C>G on transcript NM_000969.5 (MANE Select); coding-DNA position 233, C replaced by G.
Protein change: p.Ala78Gly; replaces alanine 78 with glycine.
Molecular consequence: missense variant. On other transcripts: non-coding transcript variant (1), intron variant (1).
Genome position (GRCh38, 1-based): chr1:92,834,822, C>G. VCF-style: chr1-92834822-C-G. GRCh37 (hg19) VCF-style: chr1-93300379-C-G.
Other names: c.475-1788G>C (NM_001252273.2); short protein forms A78G.
Identifiers: ClinVar variation 2183536 (VCV002183536.5), dbSNP rs1474511192, ClinGen allele CA341241535.